The following is an entry in ClinVar:

NM_001267550.2(TTN):c.96311-1G>A

Genes: TTN (titin; minus strand), TTN-AS1 (TTN antisense RNA 1; plus strand), LOC126806421 (CDK7 strongly-dependent group 2 enhancer GRCh37_chr2:179407630-179408829; plus strand). Cytogenetic location: 2q31.2.
Variant type: single nucleotide variant.
Coding change: c.96311-1G>A on transcript NM_001267550.2 (MANE Select); the canonical splice acceptor site of the intron before coding-DNA position 96311, G replaced by A.
Molecular consequence: splice acceptor variant.
Genome position (GRCh38, 1-based): chr2:178,543,663, C>T on the plus strand (G>A on the coding strand, the complement: TTN is on the minus strand). VCF-style: chr2-178543663-C-T. GRCh37 (hg19) VCF-style: chr2-179408390-C-T.
Other names: c.69116-1G>A (NM_003319.4); c.69692-1G>A (NM_133437.4); c.69491-1G>A (NM_133432.3); c.88607-1G>A (NM_133378.4); c.91388-1G>A (NM_001256850.1).
Identifiers: ClinVar variation 3372503 (VCV003372503.1).

ClinVar aggregate classification (germline): Likely pathogenic (1 of 4 stars; one submission).

Submission:

GeneDx
Classification: Likely pathogenic. Last evaluated: 2024-04-26. Review status: criteria provided, single submitter. Criteria: GeneDx Variant Classification Process June 2021. Collection method: clinical testing. Allele origin: germline. Affected: yes.
Comment: Canonical splice site variant predicted to result in an in-frame loss of the adjacent exon in a gene for which loss of function is a known mechanism of disease; Located in the A-band region of TTN in which the majority of loss of function variants have been associated with autosomal dominant titinopathies (PMID: 22335739); Not observed at significant frequency in large population cohorts (gnomAD); Has not been previously published as pathogenic or benign to our knowledge; This variant is associated with the following publications: (PMID: 22335739)